The following is an entry in ClinVar:

ClinVar aggregate classification (germline): Benign (0 of 4 stars; one submission).

Conditions:
MUC16-related disorder. Also called: MUC16-related condition.

Allele frequency attached by ClinVar (database versions not stated): ExAC 0.00001; 1000 Genomes Project 30x 0.01265.

Submission:

PreventionGenetics, part of Exact Sciences
Classification: Benign for MUC16-related condition. Last evaluated: 2019-04-25. Review status: no assertion criteria provided. Collection method: clinical testing. Allele origin: germline.
Comment: This variant is classified as benign based on ACMG/AMP sequence variant interpretation guidelines (Richards et al. 2015 PMID: 25741868, with internal and published modifications).

NM_001401501.2(MUC16):c.39171G>A (p.Gly13057=)

Gene: MUC16 (mucin 16, cell surface associated; minus strand). Cytogenetic location: 19p13.2.
Variant type: single nucleotide variant.
Coding change: c.39171G>A on transcript NM_001401501.2 (MANE Select); coding-DNA position 39171, G replaced by A.
Protein change: p.Gly13057=; no amino-acid change (glycine 13057 retained).
Molecular consequence: synonymous variant.
Genome position (GRCh38, 1-based): chr19:8,900,000, C>T on the plus strand (G>A on the coding strand, the complement: MUC16 is on the minus strand). VCF-style: chr19-8900000-C-T. GRCh37 (hg19) VCF-style: chr19-9010676-C-T.
Other names: c.39597G>A, p.Gly13199= (NM_001414686.1); c.39051G>A, p.Gly13017= (NM_001414687.1); c.38985G>A, p.Gly12995= (NM_024690.2).
Identifiers: ClinVar variation 3055587 (VCV003055587.2), dbSNP rs749351050, ClinGen allele CA9164273.
Genomic context (GRCh38, chr19:8,900,000, plus strand): 5'-CTGTAATAGAGATGTCATTGACTGGTACTTACTTGTGGGGCTGGGGAGGGAGGATGGAGT[C>T]CCTGAGGTCCCAAGGTCCACTGTGGAGGTCCCAGGAGCTGAGGAAAAGTCCTCATCAGTG-3'
Protein context (NP_001388430.1, residues 13047-13067): GTSTVDLGTS[Gly13057=]TPSSLPSPTT